The following is an entry in ClinVar:

NM_006204.4(PDE6C):c.2284-2A>C

Gene: PDE6C (phosphodiesterase 6C; plus strand). Cytogenetic location: 10q23.33.
Variant type: single nucleotide variant.
Coding change: c.2284-2A>C on transcript NM_006204.4 (MANE Select); the canonical splice acceptor site of the intron before coding-DNA position 2284, A replaced by C.
Molecular consequence: splice acceptor variant.
Genome position (GRCh38, 1-based): chr10:93,662,558, A>C. VCF-style: chr10-93662558-A-C. GRCh37 (hg19) VCF-style: chr10-95422315-A-C.
Identifiers: ClinVar variation 1491131 (VCV001491131.8), dbSNP rs2133879295, ClinGen allele CA377627847.
Genomic context (GRCh38, chr10:93,662,558, plus strand): 5'-ATCAGTCTGTTTTGTTCATACATCTTAGAAACCTGTCTTAAAGGATTTATTTCTCTTTCT[A>C]GCCTATGATGGACAGAAACAAAAGAGATGAATTACCTAAACTTCAAGTTGGATTTATTGA-3'

ClinVar aggregate classification (germline): Likely pathogenic (1 of 4 stars; one submission).

Submission:

Labcorp Genetics (formerly Invitae), Labcorp
Classification: Likely pathogenic. Last evaluated: 2021-05-07. Review status: criteria provided, single submitter. Criteria: Invitae Variant Classification Sherloc (09022015). Collection method: clinical testing. Allele origin: germline.
Comment: In summary, the currently available evidence indicates that the variant is pathogenic, but additional data are needed to prove that conclusively. Therefore, this variant has been classified as Likely Pathogenic. Algorithms developed to predict the effect of sequence changes on RNA splicing suggest that this variant may disrupt the consensus splice site, but this prediction has not been confirmed by published transcriptional studies. This variant has not been reported in the literature in individuals with PDE6C-related conditions. This variant is not present in population databases (ExAC no frequency). This sequence change affects an acceptor splice site in intron 19 of the PDE6C gene. It is expected to disrupt RNA splicing. Variants that disrupt the donor or acceptor splice site typically lead to a loss of protein function (PMID: 16199547), and loss-of-function variants in PDE6C are known to be pathogenic (PMID: 19887631, 23776498, 26103963, 30080950).

Literature cited by the submitters: PubMed 16199547; PubMed 19887631; PubMed 23776498; PubMed 26103963; PubMed 30080950.